The following is an entry in ClinVar:

NM_000204.5(CFI):c.550G>A (p.Val184Met)

Gene: CFI (complement factor I; minus strand). Cytogenetic location: 4q25.
Variant type: single nucleotide variant.
Coding change: c.550G>A on transcript NM_000204.5 (MANE Select); coding-DNA position 550, G replaced by A.
Protein change: p.Val184Met; replaces valine 184 with methionine.
Molecular consequence: missense variant. On other transcripts: 5 prime UTR variant (1), non-coding transcript variant (3).
Genome position (GRCh38, 1-based): chr4:109,761,625, C>T on the plus strand (G>A on the coding strand, the complement: CFI is on the minus strand). VCF-style: chr4-109761625-C-T. GRCh37 (hg19) VCF-style: chr4-110682781-C-T.
Other names: c.550G>A, p.Val184Met (NM_001318057.2, NM_001331035.2, NM_001375278.1 and 5 more transcripts); c.-60G>A (NM_001375284.1); short protein forms V184M.
Identifiers: ClinVar variation 1968133 (VCV001968133.6), dbSNP rs200418129, ClinGen allele CA103696070.

ClinVar aggregate classification (germline): Uncertain significance. Review status: criteria provided, multiple submitters, no conflicts (2 of 4 stars). 2 submissions from 2 submitters: Uncertain significance (2). Last evaluated 2025-11-17.

Conditions:
Atypical hemolytic-uremic syndrome. Identifiers: Orphanet 2134, MedGen C2931788, MONDO:0016244.

Allele frequency attached by ClinVar (database versions not stated): gnomAD exomes below 0.00001; gnomAD 0.00001; TOPMed 0.00001.

Submissions (2):

Labcorp Genetics (formerly Invitae), Labcorp
Classification: Uncertain significance. Last evaluated: 2025-11-17. Review status: criteria provided, single submitter. Criteria: Invitae Variant Classification Sherloc (09022015). Collection method: clinical testing. Allele origin: germline.
Comment: This sequence change replaces valine, which is neutral and non-polar, with methionine, which is neutral and non-polar, at codon 184 of the CFI protein (p.Val184Met). This variant is not present in population databases (gnomAD no frequency). This missense change has been observed in individual(s) with clinical features of atypical hemolytic uremic syndrome (PMID: 37466676). ClinVar contains an entry for this variant (Variation ID: 1968133). Invitae Evidence Modeling of protein sequence and biophysical properties (such as structural, functional, and spatial information, amino acid conservation, physicochemical variation, residue mobility, and thermodynamic stability) indicates that this missense variant is not expected to disrupt CFI protein function with a negative predictive value of 80%. Experimental studies have shown that this missense change affects CFI function (PMID: 32510551). In summary, the available evidence is currently insufficient to determine the role of this variant in disease. Therefore, it has been classified as a Variant of Uncertain Significance.

Genomenon, Inc
Classification: Uncertain significance for Atypical hemolytic-uremic syndrome. Last evaluated: 2025-09-26. Review status: criteria provided, single submitter. Criteria: Genomenon Sequence Variant Interpretation Standards - Updated. Collection method: curation. Allele origin: germline. Affected: yes.
Comment: CFI p.Val184Met (c.550G>A) is a missense variant that changes the amino acid at residue 184 from Valine to Methionine. This variant has been observed in at least one proband affected with atypical hemolytic-uremic syndrome (PMID:39238643;37466676;35619721). Functional studies have been reported; however, the significance of the findings remain unclear (PMID:32510551;32908800). It is absent or not present at a significant frequency in gnomAD. In silico models agree that this variant is not damaging. In conclusion, we classify CFI p.Val184Met (c.550G>A) as a variant of unknown significance.

Literature cited by the submitters: PubMed 37466676 (cited by Labcorp Genetics (formerly Invitae), Labcorp); PubMed 32510551 (cited by Labcorp Genetics (formerly Invitae), Labcorp); PubMed 39238643 (cited by Genomenon, Inc); 37466676 (cited by Genomenon, Inc); 35619721 (cited by Genomenon, Inc); 32510551 (cited by Genomenon, Inc); 32908800 (cited by Genomenon, Inc).